The following is an entry in ClinVar:

ClinVar aggregate classification (germline): Uncertain significance (1 of 4 stars; one submission).

Conditions:
Biotinidase deficiency. Also called: BTD deficiency; Late-onset biotin-responsive multiple carboxylase deficiency; Biotin deficiency. Identifiers: Orphanet 79241, MedGen C0220754, MONDO:0009665, OMIM 253260.

Submission:

Labcorp Genetics (formerly Invitae), Labcorp
Classification: Uncertain significance for Biotinidase deficiency. Last evaluated: 2022-10-31. Review status: criteria provided, single submitter. Criteria: Invitae Variant Classification Sherloc (09022015). Collection method: clinical testing. Allele origin: germline.
Comment: This variant results in a copy number gain of the genomic region encompassing exon(s) 1 of the BTD gene. This region includes the initiator codon of the gene. This copy number gain extends beyond the assayed region for this gene and therefore may encompass additional genes. As the precise location of this event is unknown, it may be in tandem or it may be located elsewhere in the genome. This variant has not been reported in the literature in individuals affected with BTD-related conditions. In summary, the available evidence is currently insufficient to determine the role of this variant in disease. Therefore, it has been classified as a Variant of Uncertain Significance.

NC_000003.11:g.(?_15643358)_(15643421_?)dup

Gene: BTD (biotinidase; plus strand). Cytogenetic location: 3p25.1.
Variant type: Duplication.
Identifiers: ClinVar variation 2422281 (VCV002422281.4).